The following is an entry in ClinVar:

ClinVar aggregate classification (germline): Benign (1 of 4 stars; one submission).

Allele frequency attached by ClinVar (database versions not stated): 1000 Genomes Project 30x 0.00031; gnomAD exomes 0.00074; 1000 Genomes Project 0.00020; TOPMed 0.00081; ESP Exome Variant Server 0.00092; gnomAD 0.00092; ExAC 0.00094.
gnomAD v4.1: 1,271 of 1,576,958 alleles (0.081%); highest among the groups gnomAD compares: Middle Eastern, 1.6%; 9 homozygotes.

Submission:

CeGaT Center for Human Genetics Tuebingen
Classification: Benign. Last evaluated: 2022-06-01. Review status: criteria provided, single submitter. Criteria: CeGaT Center For Human Genetics Tuebingen Variant Classification Criteria Version 2. Collection method: clinical testing. Allele origin: germline. Affected: yes. Observed: 1 variant allele.
Comment: ATAD2: BP4, BS1, BS2

NM_014109.4(ATAD2):c.2855-8A>G

Gene: ATAD2 (ATPase family AAA domain containing 2; minus strand). Cytogenetic location: 8q24.13.
Variant type: single nucleotide variant.
Coding change: c.2855-8A>G on transcript NM_014109.4 (MANE Select); 8 bases into the intron before coding-DNA position 2855, A replaced by G.
Molecular consequence: intron variant.
Genome position (GRCh38, 1-based): chr8:123,337,829, T>C on the plus strand (A>G on the coding strand, the complement: ATAD2 is on the minus strand). VCF-style: chr8-123337829-T-C. GRCh37 (hg19) VCF-style: chr8-124350069-T-C.
Identifiers: ClinVar variation 2658790 (VCV002658790.24), dbSNP rs199714845, ClinGen allele CA4865215.